The following is an entry in ClinVar:

NM_001035.3(RYR2):c.2260G>T (p.Val754Phe)

Gene: RYR2 (ryanodine receptor 2; plus strand). Cytogenetic location: 1q43.
Variant type: single nucleotide variant.
Coding change: c.2260G>T on transcript NM_001035.3 (MANE Select); coding-DNA position 2260, G replaced by T.
Protein change: p.Val754Phe; replaces valine 754 with phenylalanine.
Molecular consequence: missense variant.
Genome position (GRCh38, 1-based): chr1:237,500,767, G>T. VCF-style: chr1-237500767-G-T. GRCh37 (hg19) VCF-style: chr1-237664067-G-T.
Other names: c.2260G>T, p.Val754Phe (LRG_402t1); short protein forms V754F.
Identifiers: ClinVar variation 641794 (VCV000641794.10), dbSNP rs376923538, ClinGen allele CA086000.

ClinVar aggregate classification (germline): Uncertain significance (1 of 4 stars; one submission).

Conditions:
Catecholaminergic polymorphic ventricular tachycardia 1. Also called: RYR2-Related Catecholaminergic Polymorphic Ventricular Tachycardia; VENTRICULAR TACHYCARDIA, STRESS-INDUCED POLYMORPHIC 1; VENTRICULAR TACHYCARDIA, CATECHOLAMINERGIC POLYMORPHIC, 1, WITH OR WITHOUT ATRIAL DYSFUNCTION AND/OR DILATED CARDIOMYOPATHY. Identifiers: Orphanet 3286, MedGen C1631597, MONDO:0011484, OMIM 604772.

Allele frequency attached by ClinVar (database versions not stated): gnomAD exomes below 0.00001 and 0.00001; ExAC 0.00001; gnomAD 0.00001; TOPMed 0.00001; ESP Exome Variant Server 0.00008.
gnomAD v4.1: 2 of 1,613,720 alleles (0.00012%); highest among the groups gnomAD compares: African/African-American, 0.0027%; no homozygotes.

Submission:

Labcorp Genetics (formerly Invitae), Labcorp
Classification: Uncertain significance for Catecholaminergic polymorphic ventricular tachycardia 1. Last evaluated: 2025-07-23. Review status: criteria provided, single submitter. Criteria: Invitae Variant Classification Sherloc (09022015). Collection method: clinical testing. Allele origin: germline.
Comment: This sequence change replaces valine, which is neutral and non-polar, with phenylalanine, which is neutral and non-polar, at codon 754 of the RYR2 protein (p.Val754Phe). This variant is present in population databases (rs376923538, gnomAD 0.01%). This variant has not been reported in the literature in individuals affected with RYR2-related conditions. ClinVar contains an entry for this variant (Variation ID: 641794). Invitae Evidence Modeling of protein sequence and biophysical properties (such as structural, functional, and spatial information, amino acid conservation, physicochemical variation, residue mobility, and thermodynamic stability) has been performed for this missense variant. However, the output from this modeling did not meet the statistical confidence thresholds required to predict the impact of this variant on RYR2 protein function. In summary, the available evidence is currently insufficient to determine the role of this variant in disease. Therefore, it has been classified as a Variant of Uncertain Significance.